The following is an entry in ClinVar:

NM_001128178.3(NPHP1):c.771+130A>T

Gene: NPHP1 (nephrocystin 1; minus strand). Cytogenetic location: 2q13.
Variant type: single nucleotide variant.
Coding change: c.771+130A>T on transcript NM_001128178.3 (MANE Select); 130 bases into the intron after coding-DNA position 771, A replaced by T.
Molecular consequence: intron variant. On other transcripts: nonsense (2).
Genome position (GRCh38, 1-based): chr2:110,164,558, T>A on the plus strand (A>T on the coding strand, the complement: NPHP1 is on the minus strand). VCF-style: chr2-110164558-T-A. GRCh37 (hg19) VCF-style: chr2-110922135-T-A.
Other names: c.901A>T, p.Arg301Ter (NM_000272.5, NM_207181.4); c.585+130A>T (NM_001128179.3); c.771+130A>T (NM_001374256.1, NM_001374257.1); short protein forms R301*.
Identifiers: ClinVar variation 2915410 (VCV002915410.3), dbSNP rs1204764976, ClinGen allele CA348091647.

ClinVar aggregate classification (germline): Pathogenic (1 of 4 stars; one submission).

Conditions:
Nephronophthisis. Also called: Juvenile Nephronophthisis. Identifiers: Orphanet 655, MedGen C0687120, MONDO:0019005, HP:0000090.

Allele frequency attached by ClinVar (database versions not stated): gnomAD exomes below 0.00001; gnomAD 0.00001; TOPMed 0.00001.
gnomAD v4.1: 3 of 1,592,336 alleles (0.00019%); highest among the groups gnomAD compares: Non-Finnish European, 0.00026%; no homozygotes.

Submission:

Labcorp Genetics (formerly Invitae), Labcorp
Classification: Pathogenic for Nephronophthisis. Last evaluated: 2023-11-24. Review status: criteria provided, single submitter. Criteria: Invitae Variant Classification Sherloc (09022015). Collection method: clinical testing. Allele origin: germline.
Comment: This sequence change creates a premature translational stop signal (p.Arg301*) in the NPHP1 gene. It is expected to result in an absent or disrupted protein product. Loss-of-function variants in NPHP1 are known to be pathogenic (PMID: 23559409). This variant is present in population databases (no rsID available, gnomAD 0.002%). This variant has not been reported in the literature in individuals affected with NPHP1-related conditions. For these reasons, this variant has been classified as Pathogenic.

Literature cited by the submitters: PubMed 23559409.